The following is an entry in ClinVar:

ClinVar aggregate classification (germline): Likely pathogenic (1 of 4 stars; one submission).

Conditions:
Classic dopamine transporter deficiency syndrome (PKDYS1). Also called: DOPAMINE TRANSPORTER DEFICIENCY SYNDROME; Parkinsonism-dystonia, infantile, 1. Identifiers: Orphanet 238455, MedGen C5700336, MONDO:0054835, OMIM 613135.

Allele frequency attached by ClinVar (database versions not stated): gnomAD exomes below 0.00001; TOPMed 0.00001.
gnomAD v4.1: 3 of 1,613,146 alleles (0.00019%); highest among the groups gnomAD compares: Non-Finnish European, 0.00025%; no homozygotes.

Submission:

Centre for Mendelian Genomics, University Medical Centre Ljubljana
Classification: Likely pathogenic for Classic dopamine transporter deficiency syndrome. Last evaluated: 2016-01-01. Review status: criteria provided, single submitter. Criteria: ACMG Guidelines, 2015. Collection method: clinical testing. Allele origin: unknown. Affected: yes.
Comment: This variant was classified as: Likely pathogenic. The following ACMG criteria were applied in classifying this variant: PM1,PM2,PP3,PP4.

NM_001044.5(SLC6A3):c.1398+5G>A

Gene: SLC6A3 (solute carrier family 6 member 3). Cytogenetic location: 5p15.33.
Variant type: single nucleotide variant.
Coding change: c.1398+5G>A on transcript NM_001044.5 (MANE Select); 5 bases into the intron after coding-DNA position 1398, G replaced by A.
Molecular consequence: intron variant.
Genome position (GRCh38, 1-based): chr5:1,409,716, C>T on the plus strand (G>A on the coding strand, the complement: SLC6A3 is on the minus strand). VCF-style: chr5-1409716-C-T. GRCh37 (hg19) VCF-style: chr5-1409831-C-T.
Identifiers: ClinVar variation 931466 (VCV000931466.3), dbSNP rs1756068240, ClinGen allele CA1139658727.